The following is an entry in ClinVar:

NM_003119.4(SPG7):c.377-12C>G

Gene: SPG7 (SPG7 matrix AAA peptidase subunit, paraplegin; plus strand). Cytogenetic location: 16q24.3.
Variant type: single nucleotide variant.
Coding change: c.377-12C>G on transcript NM_003119.4 (MANE Select); 12 bases into the intron before coding-DNA position 377, C replaced by G.
Molecular consequence: intron variant.
Genome position (GRCh38, 1-based): chr16:89,523,994, C>G. VCF-style: chr16-89523994-C-G. GRCh37 (hg19) VCF-style: chr16-89590402-C-G.
Other names: c.377-12C>G (NM_001363850.1, NM_199367.3).
Identifiers: ClinVar variation 2627348 (VCV002627348.1), dbSNP rs1213265783, ClinGen allele CA2576098092.

ClinVar aggregate classification (germline): Likely benign (1 of 4 stars; one submission).

gnomAD v4.1: 3 of 1,611,490 alleles (0.00019%); highest among the groups gnomAD compares: Non-Finnish European, 0.00025%; no homozygotes.

Submission:

Women's Health and Genetics/Laboratory Corporation of America, LabCorp
Classification: Likely benign. Last evaluated: 2023-09-28. Review status: criteria provided, single submitter. Criteria: LabCorp Variant Classification Summary - May 2015. Collection method: clinical testing. Allele origin: germline.
Comment: Variant summary: SPG7 c.377-12C>G alters a non-conserved nucleotide located at a position not widely known to affect splicing. Consensus agreement among computation tools predict no significant impact on normal splicing. However, these predictions have yet to be confirmed by functional studies. The variant was absent in 248766 control chromosomes. The available data on variant occurrences in the general population are insufficient to allow any conclusion about variant significance. To our knowledge, no occurrence of c.377-12C>G in individuals affected with Hereditary Spastic Paraplegia 7 and no experimental evidence demonstrating its impact on protein function have been reported. No submitters have cited clinical-significance assessments for this variant to ClinVar after 2014. Based on the evidence outlined above, the variant was classified as likely benign.